The following is an entry in ClinVar:

NM_001375912.1(ZNF532):c.2290del (p.Gln764fs)

Gene: ZNF532 (zinc finger protein 532; plus strand). Cytogenetic location: 18q21.32.
Variant type: Deletion.
Coding change: c.2290del on transcript NM_001375912.1 (MANE Select); coding-DNA position 2290, one base deleted (C; older notation c.2290delC).
Protein change: p.Gln764fs; shifts the reading frame from glutamine 764.
Molecular consequence: frameshift variant. On other transcripts: non-coding transcript variant (2).
Genome position (GRCh38, 1-based): chr18:58,920,577, C deleted; the last of 2 consecutive C bases (chr18:58,920,576-58,920,577); deleting either gives the same sequence. VCF-style (leftmost placement, unchanged base first): chr18-58920575-TC-T. GRCh37 (hg19) VCF-style: chr18-56587807-TC-T.
Other names: c.2290del, p.Gln764fs (NM_001318726.2, NM_001318727.2, NM_001318728.2 and 16 more transcripts); short protein forms Q764fs.
Identifiers: ClinVar variation 3600392 (VCV003600392.1).
Genomic context (GRCh38, chr18:58,920,575, plus strand): 5'-ATGAAGACCCCTCCAAACTGTGTAGACATAGTCTAAAATGTTTGGAGTGTAATGAAGTCT[TC>T]CAGGACGAGACATCACTGGCTACACATTTCCAGCAGGCTGCAGATACGAGTGGACAAGTA-3'

ClinVar aggregate classification (germline): Uncertain significance (1 of 4 stars; one submission).

Submission:

Clinical Genomics Laboratory, Washington University in St. Louis
Classification: Uncertain significance. Last evaluated: 2024-07-18. Review status: criteria provided, single submitter. Criteria: ACMG Guidelines, 2015. Collection method: clinical testing. Allele origin: germline.
Comment: The ZNF532 c.2290del (p.Gln764Argfs*94) variant, to our knowledge, has not been reported in the medical literature and is absent from the general population (gnomAD v.2.1.1), indicating it is not a common variant. This variant causes a frameshift by deleting a single nucleotide, leading to a premature termination codon, which is predicted to lead to nonsense mediated decay. Due to limited information, the clinical significance of this variant is uncertain.